The following is an entry in ClinVar:

ClinVar aggregate classification (germline): Likely benign. Review status: criteria provided, multiple submitters, no conflicts (2 of 4 stars). 3 submissions from 3 submitters: Likely benign (3). Last evaluated 2023-07-01.

Conditions:
Cowden syndrome 6 (CWS6). Identifiers: Orphanet 201, MedGen C3554519, MONDO:0014048, OMIM 615109.
Inborn genetic diseases. Identifiers: MedGen C0950123, MeSH D030342.

Allele frequency attached by ClinVar (database versions not stated): gnomAD 0.00001; ExAC 0.00005; 1000 Genomes Project 0.00020; 1000 Genomes Project 30x 0.00031.
gnomAD v4.1: 38 of 1,613,534 alleles (0.0024%); highest among the groups gnomAD compares: South Asian, 0.04%; no homozygotes.

Submissions (3):

CeGaT Center for Human Genetics Tuebingen
Classification: Likely benign. Last evaluated: 2023-07-01. Review status: criteria provided, single submitter. Criteria: CeGaT Center For Human Genetics Tuebingen Variant Classification Criteria Version 2. Collection method: clinical testing. Allele origin: germline. Affected: yes. Observed: 1 variant allele.
Comment: AKT1: BP4, BP7

Ambry Genetics
Classification: Likely benign for Inborn genetic diseases. Last evaluated: 2023-05-23. Review status: criteria provided, single submitter. Criteria: Ambry Variant Classification Scheme 2023. Collection method: clinical testing. Allele origin: germline.

Labcorp Genetics (formerly Invitae), Labcorp
Classification: Likely benign for Cowden syndrome 6. Last evaluated: 2023-05-04. Review status: criteria provided, single submitter. Criteria: Invitae Variant Classification Sherloc (09022015). Collection method: clinical testing. Allele origin: germline.

NM_001382430.1(AKT1):c.141A>G (p.Gln47=)

Gene: AKT1 (AKT serine/threonine kinase 1; minus strand). Cytogenetic location: 14q32.33.
Variant type: single nucleotide variant.
Coding change: c.141A>G on transcript NM_001382430.1 (MANE Select); coding-DNA position 141, A replaced by G.
Protein change: p.Gln47=; no amino-acid change (glutamine 47 retained).
Molecular consequence: synonymous variant.
Genome position (GRCh38, 1-based): chr14:104,780,122, T>C on the plus strand (A>G on the coding strand, the complement: AKT1 is on the minus strand). VCF-style: chr14-104780122-T-C. GRCh37 (hg19) VCF-style: chr14-105246459-T-C.
Other names: c.141A>G, p.Gln47= (NM_001014431.2, NM_001014432.2, NM_001382431.1 and 3 more transcripts).
Identifiers: ClinVar variation 1913630 (VCV001913630.31), dbSNP rs532268608, ClinGen allele CA7374897.
Genomic context (GRCh38, chr14:104,780,122, plus strand): 5'-TCCCGAGAGGCCAAGGGGATACTTACGCGCCACAGAGAAGTTGTTGAGGGGAGCCTCACG[T>C]TGGTCCACATCCTGCGGCCGCTCCTTGTAGCCAATGAAGGTGCCATCATTCTTGAGGAGG-3'
Protein context (NP_001369359.1, residues 37-57): GYKERPQDVD[Gln47=]REAPLNNFSV